The following is an entry in ClinVar:

ClinVar aggregate classification (germline): Uncertain significance. Review status: criteria provided, multiple submitters, no conflicts (2 of 4 stars). 7 submissions from 7 submitters: Uncertain significance (7). Last evaluated 2025-02-03.

Conditions:
Hereditary cancer-predisposing syndrome. Also called: Tumor predisposition; Hereditary neoplastic syndrome; Hereditary Cancer Syndrome; Neoplastic Syndromes, Hereditary. Identifiers: Orphanet 140162, MedGen C0027672, MeSH D009386, MONDO:0015356.
Hereditary breast ovarian cancer syndrome. Also called: Hereditary breast and/or ovarian cancer syndrome; Breast and ovarian cancer; Hereditary breast and ovarian cancer syndrome; Hereditary breast and ovarian cancer; Hereditary breast and ovarian cancer syndrome (HBOC); BRCA1- and BRCA2-Associated Hereditary Breast and Ovarian Cancer. Identifiers: Orphanet 145, MedGen C0677776, MeSH D061325, MONDO:0003582. Disease mechanism: loss of function.
Breast-ovarian cancer, familial, susceptibility to, 1 (BROVCA1). Also called: BRCA1 Hereditary Breast and Ovarian Cancer; OVARIAN CANCER, SUSCEPTIBILITY TO. Identifiers: Orphanet 145, MedGen C2676676, MONDO:0011450, OMIM 604370. Disease mechanism: loss of function.

Allele frequency attached by ClinVar (database versions not stated): gnomAD exomes below 0.00001 and 0.00001; ExAC 0.00001; TOPMed 0.00001; gnomAD 0.00003.
gnomAD v4.1: 11 of 1,613,984 alleles (0.00068%); highest among the groups gnomAD compares: Non-Finnish European, 0.00093%; no homozygotes.

Submissions (7):

Labcorp Genetics (formerly Invitae), Labcorp
Classification: Uncertain significance for Hereditary breast ovarian cancer syndrome. Last evaluated: 2025-02-03. Review status: criteria provided, single submitter. Criteria: Invitae Variant Classification Sherloc (09022015). Collection method: clinical testing. Allele origin: germline.
Comment: This sequence change replaces glycine, which is neutral and non-polar, with serine, which is neutral and polar, at codon 1591 of the BRCA1 protein (p.Gly1591Ser). This variant is present in population databases (rs587782825, gnomAD 0.002%). This missense change has been observed in individual(s) with breast cancer (PMID: 20104584). ClinVar contains an entry for this variant (Variation ID: 142926). Invitae Evidence Modeling of protein sequence and biophysical properties (such as structural, functional, and spatial information, amino acid conservation, physicochemical variation, residue mobility, and thermodynamic stability) indicates that this missense variant is not expected to disrupt BRCA1 protein function with a negative predictive value of 95%. In summary, the available evidence is currently insufficient to determine the role of this variant in disease. Therefore, it has been classified as a Variant of Uncertain Significance.

Color Diagnostics, LLC DBA Color Health
Classification: Uncertain significance for Hereditary cancer-predisposing syndrome. Last evaluated: 2024-08-06. Review status: criteria provided, single submitter. Criteria: ACMG Guidelines, 2015. Collection method: clinical testing. Allele origin: germline.
Comment: This missense variant replaces glycine with serine at codon 1591 of the BRCA1 protein. Computational prediction is inconclusive regarding the impact of this variant on protein structure and function. To our knowledge, functional studies have not been reported for this variant. This variant has been reported in a breast cancer case-control meta-analysis in 3/60466 cases and 0/53461 unaffected individuals (PMID: 33471991; Leiden Open Variation Database DB-ID BRCA1_006205) and an individual affected with breast cancer (PMID: 20104584). Multifactorial analyses have reported likelihood ratios for pathogenicity based on co-occurrence with a pathogenic variant and personal and family history of 1.0331 and 0.035, respectively (PMID: 31131967, 31853058). This variant has been identified in 3/282778 chromosomes in the general population by the Genome Aggregation Database (gnomAD). The available evidence is insufficient to determine the role of this variant in disease conclusively. Therefore, this variant is classified as a Variant of Uncertain Significance.

Ambry Genetics
Classification: Uncertain significance for Hereditary cancer-predisposing syndrome. Last evaluated: 2024-01-17. Review status: criteria provided, single submitter. Criteria: Ambry Variant Classification Scheme 2023. Collection method: clinical testing. Allele origin: germline.
Comment: The p.G1591S variant (also known as c.4771G>A), located in coding exon 14 of the BRCA1 gene, results from a G to A substitution at nucleotide position 4771. The glycine at codon 1591 is replaced by serine, an amino acid with similar properties. In one study, this alteration was detected in 1/705 women with contralateral breast cancer and not in 1398 women with unilateral breast cancer (Borg A et al. Hum. Mutat. 2010 Mar;31:E1200-40). This alteration has been reported in 1/240 hereditary breast and ovarian cancer (HBOC) patients (Schenkel LC et al. J Mol Diagn. 2016 09;18:657-667). This amino acid position is poorly conserved in available vertebrate species. In addition, the in silico prediction for this alteration is inconclusive. Since supporting evidence is limited at this time, the clinical significance of this alteration remains unclear.

All of Us Research Program, National Institutes of Health
Classification: Uncertain significance for Breast-ovarian cancer, familial, susceptibility to, 1. Last evaluated: 2023-10-30. Review status: criteria provided, single submitter. Criteria: ACMG Guidelines, 2015. Collection method: clinical testing. Allele origin: germline. Inheritance: Autosomal dominant inheritance. Observed: 6 variant alleles, 6 heterozygotes.
Comment: This missense variant replaces glycine with serine at codon 1591 of the BRCA1 protein. Computational prediction is inconclusive regarding the impact of this variant on protein structure and function (internally defined REVEL score threshold 0.5 < inconclusive < 0.7, PMID: 27666373). To our knowledge, functional studies have not been reported for this variant. This variant has been reported in a breast cancer case-control meta-analysis in 3/60466 cases and 0/53461 unaffected individuals (PMID: 33471991; Leiden Open Variation Database DB-ID BRCA1_006205) and an individual affected with breast cancer (PMID: 20104584). A multifactorial analysis has reported likelihood ratios for pathogenicity based on co-occurrence with a pathogenic variant and family history of 1.0331 and 0.4921, respectively (PMID: 31131967). This variant has been identified in 3/282778 chromosomes in the general population by the Genome Aggregation Database (gnomAD). The available evidence is insufficient to determine the role of this variant in disease conclusively. Therefore, this variant is classified as a Variant of Uncertain Significance.

This study involves interpretation of variants in research participants for the purpose of population health screening. Participant phenotype was not available at the time of variant classification. Additional details can be found in publication PMID: 35346344, PMCID: PMC8962531

Quest Diagnostics Nichols Institute San Juan Capistrano
Classification: Uncertain significance. Last evaluated: 2023-01-03. Review status: criteria provided, single submitter. Criteria: Quest Diagnostics criteria. Collection method: clinical testing. Allele origin: unknown.
Comment: The frequency of this variant in the general population, 0.000023 (3/129102 chromosomes), is uninformative in assessment of its pathogenicity. In the published literature, the variant has been reported in an individual with contralateral breast cancer (PMID: 20104584 (2010), 21520273 (2011)), and in an individual with hereditary breast and ovarian cancer (PMID: 27376475 (2016)). In a large breast cancer association study, the variant was also found in individuals affected with breast cancer (PMID: 33471991 (2021)). Analysis of this variant using bioinformatics tools for the prediction of the effect of amino acid changes on protein structure and function yielded predictions that this variant is benign. Based on the available information, we are unable to determine the clinical significance of this variant.

Women's Health and Genetics/Laboratory Corporation of America, LabCorp
Classification: Uncertain significance. Last evaluated: 2016-12-27. Review status: criteria provided, single submitter. Criteria: LabCorp Variant Classification Summary - May 2015. Collection method: clinical testing. Allele origin: germline.
Comment: Variant summary: The c.4771G>A (p.Gly1591Ser) in BRCA1 gene is a missense change that involves a non-conserved nucleotide and 3/5 in silico tools predict benign outcome. The variant is present in the control population dataset of ExAC at a frequency of 0.000008 (1/121362 chrs tested). The variant is also reported in control population of gnomAD at a frequency of 0.00001 (3/282554 chrs tested), exclusively in individuals of European descent. However, since the resource is still in early beta mode, the occurrences were not captured in pbGP. The observed frequencies do not exceed the maximum expected allele frequency for a pathogenic variant of 0.001. The variant has been reported in affected individuals without strong evidence of causality. In addition, the variant is cited as VUS by several reputable databases/clinical laboratories without evidence to independently evaluate. Taking together, the variant was classified as VUS.

GeneDx
Classification: Uncertain significance. Last evaluated: 2016-06-15. Review status: criteria provided, single submitter. Criteria: GeneDx Variant Classification (06012015). Collection method: clinical testing. Allele origin: germline. Affected: yes.
Comment: This variant is denoted BRCA1 c.4771G>A at the cDNA level, p.Gly1591Ser (G1591S) at the protein level, and results in the change of a Glycine to a Serine (GGC>AGC). This variant, defined as BRCA1 4890G>A using alternate nomenclature, was observed in one case of contralateral breast cancer (Borg 2010). BRCA1 Gly1591Ser was not observed in approximately 6,500 individuals of European and African American ancestry in the NHLBI Exome Sequencing Project, suggesting it is not a common benign variant in these populations. Since Glycine and Serine differ in polarity, charge, size or other properties, this is considered a non-conservative amino acid substitution. BRCA1 Gly1591Ser occurs at a position that is not conserved and is located in a region known to interact with multiple proteins (Paul 2014). In silico analyses predict that this variant is unlikely to alter protein structure or function. Based on currently available evidence, it is unclear whether BRCA1 Gly1591Ser is a pathogenic or benign variant. We consider it to be a variant of uncertain significance.

Literature cited by the submitters: PubMed 20104584 (cited by 6 submitters); PubMed 31131967 (cited by 4 submitters); PubMed 31853058 (cited by Color Diagnostics, LLC DBA Color Health); PubMed 33471991 (cited by 3 submitters); PubMed 27376475 (cited by Ambry Genetics and Quest Diagnostics Nichols Institute San Juan Capistrano); PubMed 21520273 (cited by Quest Diagnostics Nichols Institute San Juan Capistrano and Women's Health and Genetics/Laboratory Corporation of America, LabCorp).

NM_007294.4(BRCA1):c.4771G>A (p.Gly1591Ser)

Gene: BRCA1 (BRCA1 DNA repair associated; minus strand). Cytogenetic location: 17q21.31.
Variant type: single nucleotide variant.
Coding change: c.4771G>A on transcript NM_007294.4 (MANE Select); coding-DNA position 4771, G replaced by A.
Protein change: p.Gly1591Ser; replaces glycine 1591 with serine.
Molecular consequence: missense variant. On other transcripts: non-coding transcript variant (1).
Genome position (GRCh38, 1-based): chr17:43,071,143, C>T on the plus strand (G>A on the coding strand, the complement: BRCA1 is on the minus strand). VCF-style: chr17-43071143-C-T. GRCh37 (hg19) VCF-style: chr17-41223160-C-T.
Other names: c.4558G>A, p.Gly1520Ser (NM_001407571.1, NM_001407896.1, NM_001407897.1 and 12 more transcripts); c.4837G>A, p.Gly1613Ser (NM_001407581.1, NM_001407582.1); c.4834G>A, p.Gly1612Ser (NM_001407583.1, NM_001407585.1, NM_001407587.1 and 1 more transcripts); c.4831G>A, p.Gly1611Ser (NM_001407590.1, NM_001407591.1); c.4771G>A, p.Gly1591Ser (NM_001407593.1, NM_001407594.1, NM_001407596.1 and 8 more transcripts); c.4768G>A, p.Gly1590Ser (NM_001407610.1, NM_001407611.1, NM_001407612.1 and 17 more transcripts); c.4765G>A, p.Gly1589Ser (NM_001407627.1, NM_001407628.1, NM_001407629.1 and 14 more transcripts); c.4762G>A, p.Gly1588Ser (NM_001407645.1, NM_001407644.1); and 70 more; short protein forms G1591S, G1544S, G1612S, G487S, G1524S, G1542S, G1563S, G1564S.
Identifiers: ClinVar variation 142926 (VCV000142926.22), dbSNP rs587782825, ClinGen allele CA003015.